The following is an entry in ClinVar:

NM_000292.3(PHKA2):c.3210_3212del (p.Arg1072del)

Gene: PHKA2 (phosphorylase kinase regulatory subunit alpha 2; minus strand). Cytogenetic location: Xp22.13.
Variant type: Deletion.
Coding change: c.3210_3212del on transcript NM_000292.3 (MANE Select); coding-DNA positions 3210 to 3212, 3 bases deleted (GAG; older notation c.3210_3212delGAG).
Protein change: p.Arg1072del; deletes arginine 1072.
Molecular consequence: inframe deletion.
Genome position (GRCh38, 1-based): chrX:18,897,233-18,897,235, CTC deleted on the plus strand (GAG on the coding strand, the reverse complement: PHKA2 is on the minus strand); deleting any 3 consecutive bases within chrX:18,897,233-18,897,237 gives the same sequence; the c. name uses the placement nearest the transcript's 3' end. VCF-style (leftmost placement, unchanged base first): chrX-18897232-TCTC-T. GRCh37 (hg19) VCF-style: chrX-18915350-TCTC-T.
Other names: c.3210_3212delGAG (NM_000292.3); short protein forms R1072del.
Identifiers: ClinVar variation 501100 (VCV000501100.18), dbSNP rs1555989523, ClinGen allele CA658799597.

ClinVar aggregate classification (germline): Pathogenic/Likely pathogenic. Review status: criteria provided, multiple submitters, no conflicts (2 of 4 stars). 4 submissions from 4 submitters: Pathogenic (2); Likely pathogenic (1). 1 of the submissions does not count toward it. Last evaluated 2022-06-09.

Conditions:
Glycogen storage disease IXa1. Also called: GLYCOGEN STORAGE DISEASE VIII; GSD VIII; Glycogen storage disease 8; LIVER GLYCOGENOSIS, X-LINKED, TYPE I. Identifiers: Orphanet 264580, MedGen C3694531, MONDO:0010598, OMIM 306000.

Submissions (4):

Labcorp Genetics (formerly Invitae), Labcorp
Classification: Pathogenic for Glycogen storage disease IXa1. Last evaluated: 2022-06-09. Review status: criteria provided, single submitter. Criteria: Invitae Variant Classification Sherloc (09022015). Collection method: clinical testing. Allele origin: germline.
Comment: For these reasons, this variant has been classified as Pathogenic. Experimental studies and prediction algorithms are not available or were not evaluated, and the functional significance of this variant is currently unknown. ClinVar contains an entry for this variant (Variation ID: 501100). This variant is also known as c.3208_3210delGAG. This variant has been observed in individual(s) with glycogen storage disease type IX (PMID: 17689125, 26157701, 27103379, 34277355). In at least one individual the variant was observed to be de novo. This variant is not present in population databases (gnomAD no frequency). This variant, c.3210_3212del, results in the deletion of 1 amino acid(s) of the PHKA2 protein (p.Arg1072del), but otherwise preserves the integrity of the reading frame.

Eurofins Ntd Llc (ga)
Classification: Likely pathogenic. Last evaluated: 2017-04-18. Review status: criteria provided, single submitter. Criteria: EGL Classification Definitions 2015. Collection method: clinical testing. Allele origin: germline. Observed: 1 variant allele, 1 hemizygote.

Molecular Genetics Lab, CHRU Brest
Classification: Pathogenic for Glycogen storage disease IXa1. Review status: criteria provided, single submitter. Criteria: ACMG Guidelines, 2015. Collection method: clinical testing. Allele origin: maternal. Affected: yes.

Genomics And Bioinformatics Analysis Resource, Columbia University
Classification: Likely pathogenic for Glycogen storage disease IXa1. Review status: no assertion criteria provided. Collection method: research. Allele origin: unknown. Affected: yes. Not counted in ClinVar's aggregate classification.

Literature cited by the submitters: PubMed 17689125 (cited by Labcorp Genetics (formerly Invitae), Labcorp); PubMed 26157701 (cited by Labcorp Genetics (formerly Invitae), Labcorp); PubMed 27103379 (cited by Labcorp Genetics (formerly Invitae), Labcorp); PubMed 34277355 (cited by Labcorp Genetics (formerly Invitae), Labcorp).